The following is an entry in ClinVar:

NM_001002295.2(GATA3):c.675C>A (p.Tyr225Ter)

Gene: GATA3 (GATA binding protein 3; plus strand). Cytogenetic location: 10p14.
Variant type: single nucleotide variant.
Coding change: c.675C>A on transcript NM_001002295.2 (MANE Select); coding-DNA position 675, C replaced by A.
Protein change: p.Tyr225Ter; replaces tyrosine 225 with a stop codon.
Molecular consequence: nonsense.
Genome position (GRCh38, 1-based): chr10:8,058,738, C>A. VCF-style: chr10-8058738-C-A. GRCh37 (hg19) VCF-style: chr10-8100701-C-A.
Other names: c.675C>A, p.Tyr225Ter (NM_002051.3); short protein forms Y225*.
Identifiers: ClinVar variation 1185058 (VCV001185058.3), dbSNP rs763575837, ClinGen allele CA375970427.
Genomic context (GRCh38, chr10:8,058,738, plus strand): 5'-GACCGCCCTGGGTGGAGCCTCCTCGTCGACCCACCACCCCATCACCACCTACCCGCCCTA[C>A]GTGCCCGAGTACAGCTCCGGACTCTTCCCCCCCAGCAGCCTGCTGGGCGGCTCCCCCACC-3'

ClinVar aggregate classification (germline): Pathogenic. Review status: criteria provided, multiple submitters, no conflicts (2 of 4 stars). 3 submissions from 3 submitters: Pathogenic (2). 1 of the submissions does not count toward it. Last evaluated 2025-09-21.

Conditions:
Hypoparathyroidism, deafness, renal disease syndrome (HDRS). Also called: HYPOPARATHYROIDISM, SENSORINEURAL DEAFNESS, AND RENAL DYSPLASIA SYNDROME. Identifiers: Orphanet 2237, MedGen C1840333, MONDO:0007797, OMIM 146255.
Monogenic hearing loss.

Submissions (3):

Genetics Laboratory, Great Ormond Street Hospital NHS Foundation Trust, North Thames Genomic Laboratory Hub
Classification: Pathogenic for Monogenic hearing loss. Last evaluated: 2025-09-21. Review status: criteria provided, single submitter. Criteria: ACGS Best Practice Guidelines for Variant Classification in Rare Disease 2024 v1.2. Collection method: clinical testing. Allele origin: germline. Affected: yes.
Comment: PS4_moderate, PM2_moderate, PVS1_very-strong

Juno Genomics, Hangzhou Juno Genomics, Inc
Classification: Pathogenic for Hypoparathyroidism, deafness, renal disease syndrome. Review status: criteria provided, single submitter. Criteria: ACMG Guidelines, 2015. Collection method: clinical testing. Allele origin: germline. Affected: yes.
Comment: Absent from controls (or at extremely low frequency if recessive) in Genome Aggregation Database.;Null variant in a gene where loss of function (LOF) is a known mechanism of disease.;The prevalence of the variant in affected individuals is significantly increased compared to the prevalence in controls.

WangQJ Lab, Chinese People's Liberation Army General Hospital
Classification: Pathogenic for Hypoparathyroidism, deafness, renal disease syndrome. Last evaluated: 2021-07-01. Review status: no assertion criteria provided. Collection method: clinical testing. Allele origin: de novo. Affected: yes. Not counted in ClinVar's aggregate classification.